The following is an entry in ClinVar:

ClinVar aggregate classification (germline): Uncertain significance (1 of 4 stars; one submission).

Allele frequency attached by ClinVar (database versions not stated): gnomAD exomes below 0.00001; ExAC 0.00001.
gnomAD v4.1: 1 of 1,614,150 alleles (0.000062%); highest among the groups gnomAD compares: Admixed American, 0.0017%; no homozygotes.

Submission:

Labcorp Genetics (formerly Invitae), Labcorp
Classification: Uncertain significance. Last evaluated: 2024-12-10. Review status: criteria provided, single submitter. Criteria: Invitae Variant Classification Sherloc (09022015). Collection method: clinical testing. Allele origin: germline.
Comment: This sequence change replaces alanine, which is neutral and non-polar, with valine, which is neutral and non-polar, at codon 116 of the COL4A2 protein (p.Ala116Val). This variant is present in population databases (rs777200276, gnomAD 0.003%). This variant has not been reported in the literature in individuals affected with COL4A2-related conditions. ClinVar contains an entry for this variant (Variation ID: 2781214). Invitae Evidence Modeling of protein sequence and biophysical properties (such as structural, functional, and spatial information, amino acid conservation, physicochemical variation, residue mobility, and thermodynamic stability) indicates that this missense variant is not expected to disrupt COL4A2 protein function with a negative predictive value of 95%. In summary, the available evidence is currently insufficient to determine the role of this variant in disease. Therefore, it has been classified as a Variant of Uncertain Significance.

NM_001846.4(COL4A2):c.347C>T (p.Ala116Val)

Gene: COL4A2 (collagen type IV alpha 2 chain; plus strand). Cytogenetic location: 13q34.
Variant type: single nucleotide variant.
Coding change: c.347C>T on transcript NM_001846.4 (MANE Select); coding-DNA position 347, C replaced by T.
Protein change: p.Ala116Val; replaces alanine 116 with valine.
Molecular consequence: missense variant.
Genome position (GRCh38, 1-based): chr13:110,424,984, C>T. VCF-style: chr13-110424984-C-T. GRCh37 (hg19) VCF-style: chr13-111077331-C-T.
Other names: short protein forms A116V.
Identifiers: ClinVar variation 2781214 (VCV002781214.3), dbSNP rs777200276, ClinGen allele CA7048852.
Genomic context (GRCh38, chr13:110,424,984, plus strand): 5'-TTGGTTAATTGCATTTGCTTTCTTCATAGGGAGCAAGAGGCGTTTCTGGATTCCCTGGTG[C>T]CGATGGAATTCCTGTAAGTTTTATGGAAGACTGGAATTTTAAAACATTGCGTGCATCCTA-3'
Protein context (NP_001837.2, residues 106-126): GARGVSGFPG[Ala116Val]DGIPGHPGQG